The following is an entry in ClinVar:

ClinVar aggregate classification (germline): Conflicting classifications of pathogenicity. Review status: criteria provided, conflicting classifications (1 of 4 stars). 3 submissions from 3 submitters: Uncertain significance (1); Likely benign (2). Last evaluated 2025-05-13.

Allele frequency attached by ClinVar (database versions not stated): gnomAD exomes 0.00003; gnomAD 0.00020; TOPMed 0.00026; ExAC 0.00005.
gnomAD v4.1: 66 of 1,550,302 alleles (0.0043%); highest among the groups gnomAD compares: African/African-American, 0.084%; no homozygotes.

Submissions (3):

Mayo Clinic Laboratories, Mayo Clinic
Classification: Uncertain significance. Last evaluated: 2025-05-13. Review status: criteria provided, single submitter. Criteria: ACMG Guidelines, 2015. Collection method: clinical testing. Allele origin: germline. Observed: 1 variant allele.
Comment: BP4_moderate, PM2_supporting

Revvity Omics, Revvity
Classification: Likely benign. Last evaluated: 2024-06-25. Review status: criteria provided, single submitter. Criteria: ACMG Guidelines, 2015. Collection method: clinical testing. Allele origin: germline.

ARUP Laboratories, Molecular Genetics and Genomics, ARUP Laboratories
Classification: Likely benign. Last evaluated: 2023-05-13. Review status: criteria provided, single submitter. Criteria: ARUP Molecular Germline Variant Investigation Process 2024. Collection method: clinical testing. Allele origin: germline.

NM_001142864.4(PIEZO1):c.5920A>G (p.Ile1974Val)

Gene: PIEZO1 (piezo type mechanosensitive ion channel component 1 (Er blood group); minus strand). Cytogenetic location: 16q24.3.
Variant type: single nucleotide variant.
Coding change: c.5920A>G on transcript NM_001142864.4 (MANE Select); coding-DNA position 5920, A replaced by G.
Protein change: p.Ile1974Val; replaces isoleucine 1974 with valine.
Molecular consequence: missense variant.
Genome position (GRCh38, 1-based): chr16:88,720,414, T>C on the plus strand (A>G on the coding strand, the complement: PIEZO1 is on the minus strand). VCF-style: chr16-88720414-T-C. GRCh37 (hg19) VCF-style: chr16-88786822-T-C.
Other names: p.Ile1974Val; c.4462A>G, p.Ile1488Val (NM_014745.1); short protein forms I1488V, I1974V.
Identifiers: ClinVar variation 2434726 (VCV002434726.5), dbSNP rs753862254, ClinGen allele CA8231739.